The following is an entry in ClinVar:

NM_058216.3(RAD51C):c.145+3A>G

Genes: RAD51C (RAD51 paralog C; plus strand), LOC130061310 (ATAC-STARR-seq lymphoblastoid active region 12491; plus strand). Cytogenetic location: 17q22.
Variant type: single nucleotide variant.
Coding change: c.145+3A>G on transcript NM_058216.3 (MANE Select); 3 bases into the intron after coding-DNA position 145, A replaced by G.
Molecular consequence: intron variant.
Genome position (GRCh38, 1-based): chr17:58,692,791, A>G. VCF-style: chr17-58692791-A-G. GRCh37 (hg19) VCF-style: chr17-56770152-A-G.
Other names: c.145+3A>G (NM_002876.4, NM_058216.1).
Identifiers: ClinVar variation 538776 (VCV000538776.14), dbSNP rs536596205, ClinGen allele CA292047194.

ClinVar aggregate classification (germline): Uncertain significance. Review status: criteria provided, multiple submitters, no conflicts (2 of 4 stars). 3 submissions from 3 submitters: Uncertain significance (3). Last evaluated 2026-01-13.

Conditions:
Hereditary cancer-predisposing syndrome. Also called: Neoplastic Syndromes, Hereditary; Tumor predisposition; Hereditary Cancer Syndrome; Hereditary neoplastic syndrome. Identifiers: Orphanet 140162, MedGen C0027672, MeSH D009386, MONDO:0015356.
Fanconi anemia complementation group O. Also called: RAD51C-Related Fanconi Anemia. Identifiers: Orphanet 84, MedGen C3150653, MONDO:0013248, OMIM 613390.

Allele frequency attached by ClinVar (database versions not stated): gnomAD exomes below 0.00001; gnomAD 0.00001; 1000 Genomes Project 30x 0.00016; 1000 Genomes Project 0.00020.
gnomAD v4.1: 1 of 1,614,146 alleles (0.000062%); highest among the groups gnomAD compares: South Asian, 0.0011%; no homozygotes.

Submissions (3):

Labcorp Genetics (formerly Invitae), Labcorp
Classification: Uncertain significance for Fanconi anemia complementation group O. Last evaluated: 2026-01-13. Review status: criteria provided, single submitter. Criteria: Invitae Variant Classification Sherloc (09022015). Collection method: clinical testing. Allele origin: germline.
Comment: This sequence change falls in intron 1 of the RAD51C gene. It does not directly change the encoded amino acid sequence of the RAD51C protein. RNA analysis indicates that this variant induces altered splicing and may result in an absent or altered protein product. This variant is not present in population databases (gnomAD no frequency). This variant has not been reported in the literature in individuals affected with RAD51C-related conditions. ClinVar contains an entry for this variant (Variation ID: 538776). Variants that disrupt the consensus splice site are a relatively common cause of aberrant splicing (PMID: 17576681, 9536098). Studies have shown that this variant results in activation of a cryptic splice site and partial intron retention, and produces a non-functional protein and/or introduces a premature termination codon (internal data). In summary, the available evidence is currently insufficient to determine the role of this variant in disease. Therefore, it has been classified as a Variant of Uncertain Significance.

Ambry Genetics
Classification: Uncertain significance for Hereditary cancer-predisposing syndrome. Last evaluated: 2024-05-21. Review status: criteria provided, single submitter. Criteria: Ambry Variant Classification Scheme 2023. Collection method: clinical testing. Allele origin: germline.
Comment: The c.145+3A>G intronic variant results from an A to G substitution 3 nucleotides after coding exon 1 in the RAD51C gene. This nucleotide position is highly conserved in available vertebrate species. In silico splice site analysis predicts that this alteration will weaken the native splice donor site; however, direct evidence is insufficient at this time (Ambry internal data). Based on the available evidence, the clinical significance of this variant remains unclear.

Color Diagnostics, LLC DBA Color Health
Classification: Uncertain significance for Hereditary cancer-predisposing syndrome. Last evaluated: 2018-12-20. Review status: criteria provided, single submitter. Criteria: ACMG Guidelines, 2015. Collection method: clinical testing. Allele origin: germline.

Literature cited by the submitters: PubMed 17576681 (cited by Labcorp Genetics (formerly Invitae), Labcorp); PubMed 9536098 (cited by Labcorp Genetics (formerly Invitae), Labcorp).